The following is an entry in ClinVar:

ClinVar aggregate classification (germline): Pathogenic. Review status: criteria provided, single submitter (1 of 4 stars). 2 submissions from 2 submitters: Pathogenic (1). 1 of the submissions does not count toward it. Last evaluated 2024-06-19.

Conditions:
Charcot-Marie-Tooth disease type 4F. Also called: Charcot-Marie-Tooth disease, demyelinating, type 4F. Identifiers: Orphanet 99952, MedGen C3540453, MONDO:0013959, OMIM 614895.
PRX-related disorder. Also called: PRX-Related Disorders; PRX-related condition.

Submissions (2):

Women's Health and Genetics/Laboratory Corporation of America, LabCorp
Classification: Pathogenic for PRX-Related Disorders. Last evaluated: 2024-06-19. Review status: criteria provided, single submitter. Criteria: LabCorp Variant Classification Summary - May 2015. Collection method: clinical testing. Allele origin: germline.
Comment: Variant summary: PRX c.27+1G>T is located in a canonical splice-site and is predicted to affect mRNA splicing resulting in a significantly altered protein due to either exon skipping, shortening, or inclusion of intronic material. Several computational tools predict a significant impact on normal splicing: Four predict the variant abolishes a 5' splicing donor site. However, these predictions have yet to be confirmed by functional studies. The variant was absent in 250866 control chromosomes. c.27+1G>T has been reported in the literature in a setting of whole exome sequencing in homozygous individuals affected with peripheral neuropathy (e.g. Hengel_2020). These data indicate that the variant is likely to be associated with disease. To our knowledge, no experimental evidence demonstrating an impact on protein function has been reported. The following publication has been ascertained in the context of this evaluation (PMID: 32214227). ClinVar contains an entry for this variant (Variation ID: 810637). Based on the evidence outlined above, the variant was classified as pathogenic.

Section for Clinical Neurogenetics, University of Tübingen
Classification: Likely pathogenic for Charcot-Marie-Tooth disease type 4F. Last evaluated: 2019-08-01. Review status: no assertion criteria provided. Collection method: research. Allele origin: germline. Affected: yes. Not counted in ClinVar's aggregate classification.

Literature cited by the submitters: PubMed 32214227 (cited by Women's Health and Genetics/Laboratory Corporation of America, LabCorp and Section for Clinical Neurogenetics, University of Tübingen).

NM_181882.3(PRX):c.27+1G>T

Gene: PRX (periaxin; minus strand). Cytogenetic location: 19q13.2.
Variant type: single nucleotide variant.
Coding change: c.27+1G>T on transcript NM_181882.3 (MANE Select); the canonical splice donor site of the intron after coding-DNA position 27, G replaced by T.
Molecular consequence: splice donor variant.
Genome position (GRCh38, 1-based): chr19:40,407,905, C>A on the plus strand (G>T on the coding strand, the complement: PRX is on the minus strand). VCF-style: chr19-40407905-C-A. GRCh37 (hg19) VCF-style: chr19-40913812-C-A.
Other names: c.27+1G>T (NM_020956.2); c.312+1G>T (NM_001411127.1).
Identifiers: ClinVar variation 810637 (VCV000810637.2), dbSNP rs146342432, ClinGen allele CA405902026.
Genomic context (GRCh38, chr19:40,407,905, plus strand): 5'-GCCCTAGTCTGTGCCTCCCCATTGCCCTCAAGTGCGCCTTGCAGGACACGTGGGCACTCA[C>A]CTCGGCACTCCGGCTCCTGGCCTCCATGGCGTTGCTGGGAGGCACCTGCACCCCAGGCTC-3'